The following is an entry in ClinVar:

NM_002765.5(PRPS2):c.596C>T (p.Ala199Val)

Gene: PRPS2 (phosphoribosyl pyrophosphate synthetase 2; plus strand). Cytogenetic location: Xp22.2.
Variant type: single nucleotide variant.
Coding change: c.596C>T on transcript NM_002765.5 (MANE Select); coding-DNA position 596, C replaced by T.
Protein change: p.Ala199Val; replaces alanine 199 with valine.
Molecular consequence: missense variant.
Genome position (GRCh38, 1-based): chrX:12,819,572, C>T. VCF-style: chrX-12819572-C-T. GRCh37 (hg19) VCF-style: chrX-12837691-C-T.
Other names: c.605C>T, p.Ala202Val (NM_001039091.3); short protein forms A202V, A199V.
Identifiers: ClinVar variation 4572415 (VCV004572415.1).

ClinVar aggregate classification (germline): Uncertain significance (1 of 4 stars; one submission).

gnomAD v4.1: 1 of 1,211,134 alleles (0.000083%); highest among the groups gnomAD compares: Non-Finnish European, 0.00011%; no homozygotes.

Submission:

Ambry Genetics
Classification: Uncertain significance. Last evaluated: 2025-11-12. Review status: criteria provided, single submitter. Criteria: Ambry Variant Classification Scheme 2023. Collection method: clinical testing. Allele origin: germline.
Comment: The c.605C>T (p.A202V) alteration is located in exon 5 (coding exon 5) of the PRPS2 gene. This alteration results from a C to T substitution at nucleotide position 605, causing the alanine (A) at amino acid position 202 to be replaced by a valine (V). Based on data from gnomAD, the T allele has an overall frequency of <0.001% (1/182811) total alleles studied. The highest observed frequency was 0.001% (1/81774) of European (non-Finnish) alleles. Based on insufficient or conflicting evidence, the clinical significance of this alteration remains unclear.